The following is an entry in ClinVar:

ClinVar aggregate classification (germline): Uncertain significance (1 of 4 stars; one submission).

Submission:

GeneDx
Classification: Uncertain significance. Last evaluated: 2022-07-13. Review status: criteria provided, single submitter. Criteria: GeneDx Variant Classification Process June 2021. Collection method: clinical testing. Allele origin: germline. Affected: yes.
Comment: Not observed at significant frequency in large population cohorts (gnomAD); In silico analysis supports that this missense variant has a deleterious effect on protein structure/function; Has not been previously published as pathogenic or benign to our knowledge

NM_014712.3(SETD1A):c.4291T>A (p.Trp1431Arg)

Gene: SETD1A (SET domain containing 1A, histone lysine methyltransferase; plus strand). Cytogenetic location: 16p11.2.
Variant type: single nucleotide variant.
Coding change: c.4291T>A on transcript NM_014712.3 (MANE Select); coding-DNA position 4291, T replaced by A.
Protein change: p.Trp1431Arg; replaces tryptophan 1431 with arginine.
Molecular consequence: missense variant.
Genome position (GRCh38, 1-based): chr16:30,980,077, T>A. VCF-style: chr16-30980077-T-A. GRCh37 (hg19) VCF-style: chr16-30991398-T-A.
Other names: short protein forms W1431R.
Identifiers: ClinVar variation 1878990 (VCV001878990.1), dbSNP rs2543906522, ClinGen allele CA395631226.
Genomic context (GRCh38, chr16:30,980,077, plus strand): 5'-CCGCCCCGCGCCTACGAGCCACGCAGTGAGTTTGAACAGATGACCATCCTGTATGACATT[T>A]GGAACTCGGGCCTGGACTCAGAGGACATGAGTTACCTGCGGCTTACGTACGAGCGGCTGC-3'
Protein context (NP_055527.1, residues 1421-1441): FEQMTILYDI[Trp1431Arg]NSGLDSEDMS